The following is an entry in ClinVar:

NM_000393.5(COL5A2):c.4207T>A (p.Tyr1403Asn)

Gene: COL5A2 (collagen type V alpha 2 chain; minus strand). Cytogenetic location: 2q32.2.
Variant type: single nucleotide variant.
Coding change: c.4207T>A on transcript NM_000393.5 (MANE Select); coding-DNA position 4207, T replaced by A.
Protein change: p.Tyr1403Asn; replaces tyrosine 1403 with asparagine.
Molecular consequence: missense variant.
Genome position (GRCh38, 1-based): chr2:189,035,062, A>T on the plus strand (T>A on the coding strand, the complement: COL5A2 is on the minus strand). VCF-style: chr2-189035062-A-T. GRCh37 (hg19) VCF-style: chr2-189899788-A-T.
Other names: short protein forms Y1403N.
Identifiers: ClinVar variation 2768845 (VCV002768845.3), dbSNP rs2469209574, ClinGen allele CA349855104.

ClinVar aggregate classification (germline): Uncertain significance (1 of 4 stars; one submission).

Conditions:
Ehlers-Danlos syndrome, classic type, 1 (EDSCL1). Also called: EHLERS-DANLOS SYNDROME, GRAVIS TYPE; EHLERS-DANLOS SYNDROME, SEVERE CLASSIC TYPE; Ehlers-Danlos syndrome, type 1; Ehlers-Danlos Syndrome, Classic Type, COL5A1-Related; EDS I. Identifiers: MedGen C0268335, MONDO:0019567, OMIM 130000.

Submission:

Labcorp Genetics (formerly Invitae), Labcorp
Classification: Uncertain significance for Ehlers-Danlos syndrome, classic type, 1. Last evaluated: 2023-10-15. Review status: criteria provided, single submitter. Criteria: Invitae Variant Classification Sherloc (09022015). Collection method: clinical testing. Allele origin: germline.
Comment: This sequence change replaces tyrosine, which is neutral and polar, with asparagine, which is neutral and polar, at codon 1403 of the COL5A2 protein (p.Tyr1403Asn). This variant is not present in population databases (gnomAD no frequency). This variant has not been reported in the literature in individuals affected with COL5A2-related conditions. Advanced modeling of protein sequence and biophysical properties (such as structural, functional, and spatial information, amino acid conservation, physicochemical variation, residue mobility, and thermodynamic stability) performed at Invitae indicates that this missense variant is expected to disrupt COL5A2 protein function. In summary, the available evidence is currently insufficient to determine the role of this variant in disease. Therefore, it has been classified as a Variant of Uncertain Significance.